The following is an entry in ClinVar:

NM_000179.3(MSH6):c.25A>G (p.Ser9Gly)

Gene: MSH6 (mutS homolog 6; plus strand). Cytogenetic location: 2p16.3.
Variant type: single nucleotide variant.
Coding change: c.25A>G on transcript NM_000179.3 (MANE Select); coding-DNA position 25, A replaced by G.
Protein change: p.Ser9Gly; replaces serine 9 with glycine.
Molecular consequence: missense variant. On other transcripts: 5 prime UTR variant (1).
Genome position (GRCh38, 1-based): chr2:47,783,258, A>G. VCF-style: chr2-47783258-A-G. GRCh37 (hg19) VCF-style: chr2-48010397-A-G.
Other names: p.S9G:AGC>GGC; c.25A>G, p.Ser9Gly (NM_001281492.2); c.-712A>G (NM_001281493.2); short protein forms S9G.
Identifiers: ClinVar variation 141874 (VCV000141874.34), dbSNP rs41294986, ClinGen allele CA010478.

ClinVar aggregate classification (germline): Conflicting classifications of pathogenicity. Review status: criteria provided, conflicting classifications (1 of 4 stars). 9 submissions from 9 submitters: Uncertain significance (8); Likely benign (1). Last evaluated 2026-01-26.

Conditions:
Hereditary nonpolyposis colorectal neoplasms. Identifiers: MedGen C0009405, MeSH D003123.
Hereditary cancer-predisposing syndrome. Also called: Neoplastic Syndromes, Hereditary; Tumor predisposition; Hereditary Cancer Syndrome; Hereditary neoplastic syndrome. Identifiers: Orphanet 140162, MedGen C0027672, MeSH D009386, MONDO:0015356.
Lynch syndrome. Identifiers: Orphanet 144, MedGen C4552100, MONDO:0005835. Disease mechanism: loss of function.
Endometrial carcinoma. Also called: Endometrial carcinoma, somatic. Identifiers: MedGen C0476089, MONDO:0002447, OMIM 608089, HP:0012114.

Allele frequency attached by ClinVar (database versions not stated): ExAC 0.00002; gnomAD exomes 0.00002 and 0.00003.
gnomAD v4.1: 40 of 1,611,978 alleles (0.0025%); highest among the groups gnomAD compares: Non-Finnish European, 0.0032%; no homozygotes.

Submissions (9):

Labcorp Genetics (formerly Invitae), Labcorp
Classification: Likely benign for Hereditary nonpolyposis colorectal neoplasms. Last evaluated: 2026-01-26. Review status: criteria provided, single submitter. Criteria: Invitae Variant Classification Sherloc (09022015). Collection method: clinical testing. Allele origin: germline.

Ambry Genetics
Classification: Uncertain significance for Hereditary cancer-predisposing syndrome. Last evaluated: 2025-09-10. Review status: criteria provided, single submitter. Criteria: Ambry Variant Classification Scheme 2023. Collection method: clinical testing. Allele origin: germline.
Comment: The p.S9G variant (also known as c.25A>G), located in coding exon 1 of the MSH6 gene, results from an A to G substitution at nucleotide position 25. The serine at codon 9 is replaced by glycine, an amino acid with similar properties. This amino acid position is well conserved in available vertebrate species. In addition, this alteration is predicted to be tolerated by in silico analysis. Since supporting evidence is limited at this time, the clinical significance of this alteration remains unclear.

Color Diagnostics, LLC DBA Color Health
Classification: Uncertain significance for Hereditary cancer-predisposing syndrome. Last evaluated: 2025-03-11. Review status: criteria provided, single submitter. Criteria: ACMG Guidelines, 2015. Collection method: clinical testing. Allele origin: germline.
Comment: This missense variant replaces serine with glycine at codon 9 of the MSH6 protein. Computational prediction suggests that this variant may not impact protein structure and function. To our knowledge, functional studies have not been reported for this variant. This variant has not been reported in individuals affected with MSH6-related disorders in the literature. This variant has been identified in 4/244896 chromosomes in the general population by the Genome Aggregation Database (gnomAD). The available evidence is insufficient to determine the role of this variant in disease conclusively. Therefore, this variant is classified as a Variant of Uncertain Significance.

All of Us Research Program, National Institutes of Health
Classification: Uncertain significance for Lynch syndrome. Last evaluated: 2024-06-11. Review status: criteria provided, single submitter. Criteria: ACMG Guidelines, 2015. Collection method: clinical testing. Allele origin: germline. Inheritance: Autosomal dominant inheritance. Observed: 2 variant alleles, 2 heterozygotes.
Comment: This missense variant replaces serine with glycine at codon 9 of the MSH6 protein. Computational prediction suggests that this variant may not impact protein structure and function (internally defined REVEL score threshold <= 0.5, PMID: 27666373). Splice site prediction tools suggest that this variant may not impact RNA splicing. To our knowledge, functional studies have not been performed for this variant. This variant has not been reported in individuals affected with hereditary cancer in the literature. This variant has been identified in 4/244896 chromosomes in the general population by the Genome Aggregation Database (gnomAD). The available evidence is insufficient to determine the role of this variant in disease conclusively. Therefore, this variant is classified as a Variant of Uncertain Significance.

This study involves interpretation of variants in research participants for the purpose of population health screening. Participant phenotype was not available at the time of variant classification. Additional details can be found in publication PMID: 35346344, PMCID: PMC8962531

Baylor Genetics
Classification: Uncertain significance for Endometrial carcinoma. Last evaluated: 2023-11-22. Review status: criteria provided, single submitter. Criteria: ACMG Guidelines, 2015. Collection method: clinical testing. Allele origin: unknown.

GeneDx
Classification: Uncertain significance. Last evaluated: 2023-09-28. Review status: criteria provided, single submitter. Criteria: GeneDx Variant Classification Process June 2021. Collection method: clinical testing. Allele origin: germline. Affected: yes.
Comment: Not observed at significant frequency in large population cohorts (gnomAD); In silico analysis supports that this missense variant does not alter protein structure/function; Has not been previously published as pathogenic or benign to our knowledge; This variant is associated with the following publications: (PMID: 23621914, 21153778, 22949387, 12019211, 21120944)

Department of Pathology and Laboratory Medicine, Sinai Health System
Classification: Uncertain significance for Lynch syndrome. Last evaluated: 2022-10-14. Review status: criteria provided, single submitter. Criteria: ACMG Guidelines, 2015. Collection method: clinical testing. Allele origin: germline. Affected: yes.

Sema4
Classification: Uncertain significance for Hereditary cancer-predisposing syndrome. Last evaluated: 2022-02-26. Review status: criteria provided, single submitter. Criteria: Sema4 Curation Guidelines. Collection method: curation. Allele origin: germline.
Comment: To the best of our knowledge, the MSH6 c.25A>G (p.S9G) variant has not been reported in individuals with MSH6-related disease. It was observed in 4/109528 chromosomes of the Non-Finnish European subpopulation in the large and broad cohorts of the Genome Aggregation Database (PMID: 32461654). This variant has been reported in ClinVar (Variation ID: 141874). Functional studies have not been performed, and in silico predictions of the variant's effect on protein function are inconclusive. The evidence is insufficient to meet ACMG/AMP criteria for classifying the variant as benign or pathogenic. Thus, the clinical significance of this variant is currently uncertain.

Women's Health and Genetics/Laboratory Corporation of America, LabCorp
Classification: Uncertain significance. Last evaluated: 2021-06-06. Review status: criteria provided, single submitter. Criteria: LabCorp Variant Classification Summary - May 2015. Collection method: clinical testing. Allele origin: germline.
Comment: Variant summary: MSH6 c.25A>G (p.Ser9Gly) results in a non-conservative amino acid change in the encoded protein sequence. Four of five in-silico tools predict a benign effect of the variant on protein function. Consistently, CoDP, a bioinformatics tool to predict the impact of missense variants in MSH6 gene, predicted this variant among those with no functional impact (Terui_2013). The variant allele was found at a frequency of 1.6e-05 in 244896 control chromosomes. The available data on variant occurrences in the general population are insufficient to allow any conclusion about variant significance. To our knowledge, no occurrence of c.25A>G in individuals affected with Lynch Syndrome and no experimental evidence demonstrating its impact on protein function have been reported. Four clinical diagnostic laboratories have submitted clinical-significance assessments for this variant to ClinVar after 2014 without evidence for independent evaluation. All laboratories classified the variant as uncertain significance. Based on the evidence outlined above, the variant was classified as uncertain significance.

Literature cited by the submitters: PubMed 22949387 (cited by Ambry Genetics); PubMed 23621914 (cited by Women's Health and Genetics/Laboratory Corporation of America, LabCorp).